The following is an entry in ClinVar:

NM_024496.4(IRF2BPL):c.587dup (p.Asn197fs)

Gene: IRF2BPL (interferon regulatory factor 2 binding protein like; minus strand). Cytogenetic location: 14q24.3.
Variant type: Duplication.
Coding change: c.587dup on transcript NM_024496.4 (MANE Select); coding-DNA position 587, one base duplicated (C; older notation c.587dupC).
Protein change: p.Asn197fs; shifts the reading frame from asparagine 197.
Molecular consequence: frameshift variant.
Genome position (GRCh38, 1-based): chr14:77,027,206, G duplicated on the plus strand (C on the coding strand, the reverse complement: IRF2BPL is on the minus strand); the first of 3 consecutive G bases (chr14:77,027,206-77,027,208); duplicating any one gives the same sequence. VCF-style (leftmost placement, unchanged base first): chr14-77027205-T-TG. GRCh37 (hg19) VCF-style: chr14-77493548-T-TG.
Other names: short protein forms N197fs.
Identifiers: ClinVar variation 3340513 (VCV003340513.1).
Genomic context (GRCh38, chr14:77,027,205, plus strand): 5'-GGGGCTCTGACGGTTCAGCTCTGGGGGTCCCTCCTCTGGTGTTGGTTTGGGGAAGCCGTT[T>TG]GGGCCCCCCAGGCCGTTGGGCAGTCGCGCGGTGTGGCTGCTGCTTCCCAGGCTCACCGGC-3'

ClinVar aggregate classification (germline): Likely pathogenic (1 of 4 stars; one submission).

Conditions:
Neurodevelopmental disorder with regression, abnormal movements, loss of speech, and seizures. Identifiers: Orphanet 597623, MedGen C4748127, MONDO:0060759, OMIM 618088.

Submission:

Diagnostics Services (NGS), CSIR - Centre For Cellular And Molecular Biology
Classification: Likely pathogenic for Neurodevelopmental disorder with regression, abnormal movements, loss of speech, and seizures. Last evaluated: 2024-09-12. Review status: criteria provided, single submitter. Criteria: ACMG Guidelines, 2015. Collection method: clinical testing. Allele origin: unknown. Affected: yes. Observed: 1 variant allele, 1 heterozygote.
Comment: The c.587dup variant is not present in publicly available population databases like 1000 Genomes, EVS, ExAC, gnomAD, Indian Exome Database or our in-house exome database. This variant has neither been published in the literature in individuals affected with IRF2BPL-related conditions nor reported to the ClinVar, HGMD or OMIM databases, in any affected individuals. In-silico pathogenicity prediction programs likeMutationTaster2, CADD, Varsome, Franklin etc. predicted these variants to be likely deleterious. This variant causes frameshift at the 197th amino acid position of the wild-type transcript which creates a premature translational stop signal at the altered transcript that may either result in translation of a truncated protein or cause nonsense mediated decay of the mRNA.